The following is an entry in ClinVar:

NM_000228.3(LAMB3):c.867T>C (p.Asn289=)

Gene: LAMB3 (laminin subunit beta 3; minus strand). Cytogenetic location: 1q32.2.
Variant type: single nucleotide variant.
Coding change: c.867T>C on transcript NM_000228.3 (MANE Select); coding-DNA position 867, T replaced by C.
Protein change: p.Asn289=; no amino-acid change (asparagine 289 retained).
Molecular consequence: synonymous variant.
Genome position (GRCh38, 1-based): chr1:209,630,691, A>G on the plus strand (T>C on the coding strand, the complement: LAMB3 is on the minus strand). VCF-style: chr1-209630691-A-G. GRCh37 (hg19) VCF-style: chr1-209804036-A-G.
Other names: c.867T>C, p.Asn289= (NM_001017402.2, NM_001127641.1).
Identifiers: ClinVar variation 295126 (VCV000295126.18), dbSNP rs115579649, ClinGen allele CA1375802.

ClinVar aggregate classification (germline): Benign/Likely benign. Review status: criteria provided, multiple submitters, no conflicts (2 of 4 stars). 5 submissions from 5 submitters: Benign (1); Likely benign (3). 1 of the submissions does not count toward it. Last evaluated 2026-01-31.

Conditions:
LAMB3-related disorder. Also called: LAMB3-related condition.
Junctional epidermolysis bullosa. Identifiers: Orphanet 305, MedGen C0079301, MONDO:0017612.

Allele frequency attached by ClinVar (database versions not stated): gnomAD exomes 0.00024 and 0.00057; ExAC 0.00076; 1000 Genomes Project 0.00200; gnomAD 0.00227 and 0.00254; ESP Exome Variant Server 0.00238; 1000 Genomes Project 30x 0.00250; TOPMed 0.00285.
gnomAD v4.1: 696 of 1,613,902 alleles (0.043%); highest among the groups gnomAD compares: African/African-American, 0.87%; 1 homozygote.

Submissions (5):

Labcorp Genetics (formerly Invitae), Labcorp
Classification: Benign. Last evaluated: 2026-01-31. Review status: criteria provided, single submitter. Criteria: Invitae Variant Classification Sherloc (09022015). Collection method: clinical testing. Allele origin: germline.

Blueprint Genetics
Classification: Likely benign. Last evaluated: 2024-11-26. Review status: criteria provided, single submitter. Criteria: ACMG Guidelines, 2015. Collection method: clinical testing. Allele origin: germline.

Illumina Laboratory Services, Illumina
Classification: Likely benign for Junctional epidermolysis bullosa. Last evaluated: 2018-01-13. Review status: criteria provided, single submitter. Criteria: ICSL Variant Classification Criteria 13 December 2019. Collection method: clinical testing. Allele origin: germline.
Comment: This variant was observed in the ICSL laboratory as part of a predisposition screen in an ostensibly healthy population. It had not been previously curated by ICSL or reported in the Human Gene Mutation Database (HGMD: prior to June 1st, 2018), and was therefore a candidate for classification through an automated scoring system. Utilizing variant allele frequency, disease prevalence and penetrance estimates, and inheritance mode, an automated score was calculated to assess if this variant is too frequent to cause the disease. Based on the score and internal cut-off values, a variant classified as likely benign is not then subjected to further curation. The score for this variant resulted in a classification of likely benign for this disease.

Breakthrough Genomics
Classification: Likely benign. Review status: criteria provided, single submitter. Criteria: ACMG Guidelines, 2015. Collection method: not provided. Allele origin: germline. Inheritance: Autosomal recessive inheritance. Affected: yes.

PreventionGenetics, part of Exact Sciences
Classification: Likely benign for LAMB3-related condition. Last evaluated: 2024-08-12. Review status: no assertion criteria provided. Collection method: clinical testing. Allele origin: germline. Not counted in ClinVar's aggregate classification.
Comment: This variant is classified as likely benign based on ACMG/AMP sequence variant interpretation guidelines (Richards et al. 2015 PMID: 25741868, with internal and published modifications).